The following is an entry in ClinVar:

ClinVar aggregate classification (germline): Uncertain significance (1 of 4 stars; one submission).

Conditions:
Nemaline myopathy 6 (NEM6). Also called: Nemaline myopathy 6, autosomal dominant. Identifiers: Orphanet 171439, MedGen C1836472, MONDO:0012237, OMIM 609273.

Submission:

Labcorp Genetics (formerly Invitae), Labcorp
Classification: Uncertain significance for Nemaline myopathy 6. Last evaluated: 2022-08-09. Review status: criteria provided, single submitter. Criteria: Invitae Variant Classification Sherloc (09022015). Collection method: clinical testing. Allele origin: germline.
Comment: In summary, the available evidence is currently insufficient to determine the role of this variant in disease. Therefore, it has been classified as a Variant of Uncertain Significance. Experimental studies and prediction algorithms are not available or were not evaluated, and the functional significance of this variant is currently unknown. This variant has not been reported in the literature in individuals affected with KBTBD13-related conditions. This variant is not present in population databases (gnomAD no frequency). This sequence change affects the initiator methionine of the KBTBD13 mRNA. The next in-frame methionine is located at codon 346.

NM_001101362.3(KBTBD13):c.-20_265del (p.Met1_Gln89del)

Gene: KBTBD13 (kelch repeat and BTB domain containing 13; plus strand). Cytogenetic location: 15q22.31.
Variant type: Deletion.
Coding change: c.-20_265del on transcript NM_001101362.3 (MANE Select); 20 bases upstream of the start codon through coding-DNA position 265, 285 bases deleted.
Protein change: p.Met1_Gln89del.
Molecular consequence: inframe deletion, initiator codon variant.
Genome position (GRCh38, 1-based): chr15:65,076,796-65,077,080, 285 bases deleted. GRCh37 (hg19): chr15:65,369,134-65,369,418.
Identifiers: ClinVar variation 1037884 (VCV001037884.9), dbSNP rs2086974277, ClinGen allele CA2183449993.